The following is an entry in ClinVar:

ClinVar aggregate classification (germline): Benign. Review status: criteria provided, multiple submitters, no conflicts (2 of 4 stars). 3 submissions from 3 submitters: Benign (2). 1 of the submissions does not count toward it. Last evaluated 2018-06-08.

Conditions:
DLGAP1-related disorder. Also called: DLGAP1-related condition.

Allele frequency attached by ClinVar (database versions not stated): 1000 Genomes Project 30x 0.00812; 1000 Genomes Project 0.00839; TOPMed 0.00443; ESP Exome Variant Server 0.00046.
gnomAD v4.1: 3,046 of 1,574,608 alleles (0.19%); highest among the groups gnomAD compares: Admixed American, 4.4%; 96 homozygotes.

Submissions (3):

Labcorp Genetics (formerly Invitae), Labcorp
Classification: Benign. Last evaluated: 2018-06-08. Review status: criteria provided, single submitter. Criteria: Invitae Variant Classification Sherloc (09022015). Collection method: clinical testing. Allele origin: germline.

Breakthrough Genomics
Classification: Benign. Review status: criteria provided, single submitter. Criteria: ACMG Guidelines, 2015. Collection method: not provided. Allele origin: germline. Inheritance: Unknown mechanism. Affected: yes.

PreventionGenetics, part of Exact Sciences
Classification: Benign for DLGAP1-related condition. Last evaluated: 2019-02-26. Review status: no assertion criteria provided. Collection method: clinical testing. Allele origin: germline. Not counted in ClinVar's aggregate classification.
Comment: This variant is classified as benign based on ACMG/AMP sequence variant interpretation guidelines (Richards et al. 2015 PMID: 25741868, with internal and published modifications).

NM_004746.4(DLGAP1):c.852C>A (p.Thr284=)

Genes: DLGAP1 (DLG associated protein 1; minus strand), DLGAP1-AS3 (DLGAP1 antisense RNA 3; plus strand). Cytogenetic location: 18p11.31.
Variant type: single nucleotide variant.
Coding change: c.852C>A on transcript NM_004746.4 (MANE Select); coding-DNA position 852, C replaced by A.
Protein change: p.Thr284=; no amino-acid change (threonine 284 retained).
Molecular consequence: synonymous variant.
Genome position (GRCh38, 1-based): chr18:3,879,217, G>T on the plus strand (C>A on the coding strand, the complement: DLGAP1 is on the minus strand). VCF-style: chr18-3879217-G-T. GRCh37 (hg19) VCF-style: chr18-3879217-G-T.
Other names: c.852C>A, p.Thr284= (NM_001242761.2).
Identifiers: ClinVar variation 771503 (VCV000771503.6), dbSNP rs145691437, ClinGen allele CA8876629.
Genomic context (GRCh38, chr18:3,879,217, plus strand): 5'-CACCATGGCCTGGTCCATGTTCACCGAGGCCTTCTGGTAAACCTCCCGGGCCCGGCTCAC[G>T]GTGAGCGTGGAGGACCAGGCGCTCTTCTTCAGCAGCGGGGTGTCCAGGCTGACCGGCAGG-3'
Protein context (NP_004737.2, residues 274-294): LKKSAWSSTL[Thr284=]VSRAREVYQK